The following is an entry in ClinVar:

NM_014244.5(ADAMTS2):c.1869C>T (p.Arg623=)

Gene: ADAMTS2 (ADAM metallopeptidase with thrombospondin type 1 motif 2; minus strand). Cytogenetic location: 5q35.3.
Variant type: single nucleotide variant.
Coding change: c.1869C>T on transcript NM_014244.5 (MANE Select); coding-DNA position 1869, C replaced by T.
Protein change: p.Arg623=; no amino-acid change (arginine 623 retained).
Molecular consequence: synonymous variant.
Genome position (GRCh38, 1-based): chr5:179,137,851, G>A on the plus strand (C>T on the coding strand, the complement: ADAMTS2 is on the minus strand). VCF-style: chr5-179137851-G-A. GRCh37 (hg19) VCF-style: chr5-178564852-G-A.
Identifiers: ClinVar variation 282050 (VCV000282050.22), dbSNP rs376058580, ClinGen allele CA3595761.

ClinVar aggregate classification (germline): Conflicting classifications of pathogenicity. Review status: criteria provided, conflicting classifications (1 of 4 stars). 6 submissions from 6 submitters: Uncertain significance (1); Likely benign (3). 2 of the submissions do not count toward it. Last evaluated 2026-01-11.

Conditions:
ADAMTS2-related disorder. Also called: ADAMTS2-related condition.
Ehlers-Danlos syndrome, dermatosparaxis type. Also called: Ehlers-Danlos syndrome, type VII, autosomal recessive; Dermatosparaxis; EDS VIIC. Identifiers: Orphanet 1901, MedGen C2700425, MONDO:0009161, OMIM 225410.

Allele frequency attached by ClinVar (database versions not stated): TOPMed 0.00002; ESP Exome Variant Server 0.00015.
gnomAD v4.1: 166 of 1,566,304 alleles (0.011%); highest among the groups gnomAD compares: South Asian, 0.088%; 2 homozygotes.

Submissions (6):

Labcorp Genetics (formerly Invitae), Labcorp
Classification: Likely benign for Ehlers-Danlos syndrome, dermatosparaxis type. Last evaluated: 2026-01-11. Review status: criteria provided, single submitter. Criteria: Invitae Variant Classification Sherloc (09022015). Collection method: clinical testing. Allele origin: germline.

Blueprint Genetics
Classification: Likely benign. Last evaluated: 2023-09-08. Review status: criteria provided, single submitter. Criteria: ACMG Guidelines, 2015. Collection method: clinical testing. Allele origin: germline.

GeneDx
Classification: Likely benign. Last evaluated: 2020-12-24. Review status: criteria provided, single submitter. Criteria: GeneDx Variant Classification Process June 2021. Collection method: clinical testing. Allele origin: germline. Affected: yes.

Eurofins Ntd Llc (ga)
Classification: Uncertain significance. Last evaluated: 2015-08-03. Review status: criteria provided, single submitter. Criteria: EGL Classification Definitions 2015. Collection method: clinical testing. Allele origin: germline. Observed: 1 variant allele, 1 heterozygote.

PreventionGenetics, part of Exact Sciences
Classification: Likely benign for ADAMTS2-related condition. Last evaluated: 2024-06-19. Review status: no assertion criteria provided. Collection method: clinical testing. Allele origin: germline. Not counted in ClinVar's aggregate classification.
Comment: This variant is classified as likely benign based on ACMG/AMP sequence variant interpretation guidelines (Richards et al. 2015 PMID: 25741868, with internal and published modifications).

Natera, Inc.
Classification: Benign for Ehlers-Danlos syndrome type VIIC. Last evaluated: 2019-11-22. Review status: no assertion criteria provided. Collection method: clinical testing. Allele origin: germline. Not counted in ClinVar's aggregate classification.